The following is an entry in ClinVar:

NM_020975.6(RET):c.798C>T (p.Asp266=)

Gene: RET (ret proto-oncogene; plus strand). Cytogenetic location: 10q11.21.
Variant type: single nucleotide variant.
Coding change: c.798C>T on transcript NM_020975.6 (MANE Select); coding-DNA position 798, C replaced by T.
Protein change: p.Asp266=; no amino-acid change (aspartic acid 266 retained).
Molecular consequence: synonymous variant. On other transcripts: intron variant (22).
Genome position (GRCh38, 1-based): chr10:43,105,124, C>T. VCF-style: chr10-43105124-C-T. GRCh37 (hg19) VCF-style: chr10-43600572-C-T.
Other names: c.798C>T, p.Asp266= (NM_000323.2, NM_001406743.1, NM_001406744.1 and 8 more transcripts); c.36C>T, p.Asp12= (NM_001355216.2); c.669C>T, p.Asp223= (NM_001406761.1, NM_001406762.1, NM_001406764.1 and 2 more transcripts); c.510C>T, p.Asp170= (NM_001406766.1, NM_001406767.1, NM_001406770.1); c.625+2495C>T (NM_001406773.1, NM_001406771.1, NM_001406782.1 and 5 more transcripts); c.496+2495C>T (NM_001406786.1, NM_001406783.1); c.338-3907C>T (NM_001406778.1, NM_001406775.1, NM_001406776.1 and 1 more transcripts); c.337+4402C>T (NM_001406790.1, NM_001406788.1, NM_001406789.1 and 1 more transcripts); and 2 more.
Identifiers: ClinVar variation 713086 (VCV000713086.11), dbSNP rs1588866198, ClinGen allele CA469022541.

ClinVar aggregate classification (germline): Likely benign. Review status: criteria provided, multiple submitters, no conflicts (2 of 4 stars). 3 submissions from 3 submitters: Likely benign (3). Last evaluated 2023-12-31.

Conditions:
Hereditary cancer-predisposing syndrome. Also called: Hereditary Cancer Syndrome; Tumor predisposition; Hereditary neoplastic syndrome; Neoplastic Syndromes, Hereditary. Identifiers: Orphanet 140162, MedGen C0027672, MeSH D009386, MONDO:0015356.
Multiple endocrine neoplasia, type 2 (MEN2). Identifiers: Orphanet 653, MedGen C4048306, MONDO:0019003. Disease mechanism: gain of function.

Submissions (3):

Ambry Genetics
Classification: Likely benign for Hereditary cancer-predisposing syndrome. Last evaluated: 2023-12-31. Review status: criteria provided, single submitter. Criteria: Ambry Variant Classification Scheme 2023. Collection method: clinical testing. Allele origin: germline.

Labcorp Genetics (formerly Invitae), Labcorp
Classification: Likely benign for Multiple endocrine neoplasia, type 2. Last evaluated: 2023-11-17. Review status: criteria provided, single submitter. Criteria: Invitae Variant Classification Sherloc (09022015). Collection method: clinical testing. Allele origin: germline.

All of Us Research Program, National Institutes of Health
Classification: Likely benign for Multiple endocrine neoplasia, type 2. Last evaluated: 2023-10-27. Review status: criteria provided, single submitter. Criteria: ACMG Guidelines, 2015. Collection method: clinical testing. Allele origin: germline. Inheritance: Autosomal dominant inheritance. Observed: 1 variant allele, 1 heterozygote.
Comment: This study involves interpretation of variants in research participants for the purpose of population health screening. Participant phenotype was not available at the time of variant classification. Additional details can be found in publication PMID: 35346344, PMCID: PMC8962531